The following is an entry in ClinVar:

NM_001370259.2(MEN1):c.1004delinsTT (p.Arg335fs)

Gene: MEN1 (menin 1; minus strand). Cytogenetic location: 11q13.1.
Variant type: Indel.
Coding change: c.1004delinsTT on transcript NM_001370259.2 (MANE Select); coding-DNA position 1004, G replaced by TT.
Protein change: p.Arg335fs; shifts the reading frame from arginine 335.
Molecular consequence: frameshift variant.
Genome position (GRCh38, 1-based): chr11:64,806,277, C replaced by AA on the plus strand (G replaced by TT on the coding strand, the reverse complement: MEN1 is on the minus strand). VCF-style: chr11-64806277-C-AA. GRCh37 (hg19) VCF-style: chr11-64573749-C-AA.
Other names: c.1004delinsTT, p.Arg335fs (NM_130799.3, NM_001370251.2, NM_001370260.2 and 1 more transcripts); c.1019delinsTT, p.Arg340fs (NM_130800.3, NM_130803.3, NM_130801.3 and 3 more transcripts); c.1004delGinsTT (NM_130799.2); c.899delinsTT, p.Arg300fs (NM_001370262.2, NM_001370263.2); short protein forms R300fs, R335fs, R340fs.
Identifiers: ClinVar variation 428046 (VCV000428046.6), dbSNP rs1114167506, ClinGen allele CA645369579.
Genomic context (GRCh38, chr11:64,806,277, plus strand): 5'-TAGGGGGATCCTCACTCCTGGATGACAGTGGCCGTGTCCGCCCAGGCCTGCAGGGCTTCC[C>AA]GCACATTGCGGTTGCGACAGTGGTAGCCAGCCAGGTACATGTAGGGGTAGATGTGTTCAT-3'

ClinVar aggregate classification (germline): Pathogenic (1 of 4 stars; one submission).

Conditions:
Hereditary cancer-predisposing syndrome. Also called: Hereditary Cancer Syndrome; Neoplastic Syndromes, Hereditary; Hereditary neoplastic syndrome; Tumor predisposition. Identifiers: Orphanet 140162, MedGen C0027672, MeSH D009386, MONDO:0015356.

Submission:

Ambry Genetics
Classification: Pathogenic for Hereditary cancer-predisposing syndrome. Last evaluated: 2014-10-16. Review status: criteria provided, single submitter. Criteria: Ambry Variant Classification Scheme 2023. Collection method: clinical testing. Allele origin: germline.
Comment: The c.1004delGinsTT pathogenic mutation, located in coding exon 6 of the MEN1 gene, results from the deletion of one nucleotide and insertion of two nucleotides causing a translational frameshift with a predicted alternate stop codon. Since frameshifts are typically deleterious in nature, this alteration is interpreted as a disease-causing mutation (ACMG Recommendations for Standards for Interpretation and Reporting of Sequence Variations. Revision 2007. Genet Med. 2008;10:294).